The following is an entry in ClinVar:

ClinVar aggregate classification (germline): Uncertain significance (1 of 4 stars; one submission).

Conditions:
Hereditary cancer-predisposing syndrome. Also called: Tumor predisposition; Hereditary Cancer Syndrome; Hereditary neoplastic syndrome; Neoplastic Syndromes, Hereditary. Identifiers: Orphanet 140162, MedGen C0027672, MeSH D009386, MONDO:0015356.

gnomAD v4.1: 1 of 1,614,148 alleles (0.000062%); highest among the groups gnomAD compares: Non-Finnish European, 0.000085%; no homozygotes.

Submission:

Ambry Genetics
Classification: Uncertain significance for Hereditary cancer-predisposing syndrome. Last evaluated: 2016-12-29. Review status: criteria provided, single submitter. Criteria: Ambry Variant Classification Scheme 2023. Collection method: clinical testing. Allele origin: germline.
Comment: The p.E699D variant (also known as c.2097G>C), located in coding exon 4 of the MSH6 gene, results from a G to C substitution at nucleotide position 2097. The glutamic acid at codon 699 is replaced by aspartic acid, an amino acid with highly similar properties. This amino acid position is highly conserved in available vertebrate species. In addition, the in silico prediction for this alteration is inconclusive. In addition, the CoDP in silico tool predicts this alteration to have minor impact on molecular function, with a score of 0.026 (Terui H et al. J. Biomed. Sci. 2013;20:25). Since supporting evidence is limited at this time, the clinical significance of this alteration remains unclear.

NM_000179.3(MSH6):c.2097G>C (p.Glu699Asp)

Gene: MSH6 (mutS homolog 6; plus strand). Cytogenetic location: 2p16.3.
Variant type: single nucleotide variant.
Coding change: c.2097G>C on transcript NM_000179.3 (MANE Select); coding-DNA position 2097, G replaced by C.
Protein change: p.Glu699Asp; replaces glutamic acid 699 with aspartic acid.
Molecular consequence: missense variant.
Genome position (GRCh38, 1-based): chr2:47,800,080, G>C. VCF-style: chr2-47800080-G-C. GRCh37 (hg19) VCF-style: chr2-48027219-G-C.
Other names: c.1707G>C, p.Glu569Asp (NM_001281492.2); c.1191G>C, p.Glu397Asp (NM_001281493.2, NM_001281494.2); short protein forms E699D, E569D, E397D.
Identifiers: ClinVar variation 486904 (VCV000486904.5), dbSNP rs1424749498, ClinGen allele CA346750887.
Genomic context (GRCh38, chr2:47,800,080, plus strand): 5'-GGCCCTCTCTGCTCTAGGTGGTTGTGTCTTCTACCTCAAAAAATGCCTTATTGATCAGGA[G>C]CTTTTATCAATGGCTAATTTTGAAGAATATATTCCCTTGGATTCTGACACAGTCAGCACT-3'
Protein context (NP_000170.1, residues 689-709): FYLKKCLIDQ[Glu699Asp]LLSMANFEEY